The following is an entry in ClinVar:

ClinVar aggregate classification (germline): Uncertain significance (1 of 4 stars; one submission).

Conditions:
Long QT syndrome (LQTS). Identifiers: MedGen C0023976, MeSH D008133, MONDO:0002442. Disease mechanism: loss of function. Inheritance: Various modes of inheritance.

Allele frequency attached by ClinVar (database versions not stated): gnomAD 0.00001; TOPMed 0.00001.
gnomAD v4.1: 3 of 1,614,122 alleles (0.00019%); highest among the groups gnomAD compares: African/African-American, 0.0027%; no homozygotes.

Submission:

Labcorp Genetics (formerly Invitae), Labcorp
Classification: Uncertain significance for Long QT syndrome. Last evaluated: 2020-10-24. Review status: criteria provided, single submitter. Criteria: Invitae Variant Classification Sherloc (09022015). Collection method: clinical testing. Allele origin: germline.
Comment: This variant has not been reported in the literature in individuals with KCNH2-related conditions. Algorithms developed to predict the effect of missense changes on protein structure and function (SIFT, PolyPhen-2, Align-GVGD) all suggest that this variant is likely to be disruptive, but these predictions have not been confirmed by published functional studies and their clinical significance is uncertain. In summary, the available evidence is currently insufficient to determine the role of this variant in disease. Therefore, it has been classified as a Variant of Uncertain Significance. This variant is not present in population databases (ExAC no frequency). This sequence change replaces glutamic acid with aspartic acid at codon 699 of the KCNH2 protein (p.Glu699Asp). The glutamic acid residue is highly conserved and there is a small physicochemical difference between glutamic acid and aspartic acid.

NM_000238.4(KCNH2):c.2097G>T (p.Glu699Asp)

Gene: KCNH2 (potassium voltage-gated channel subfamily H member 2; minus strand). Cytogenetic location: 7q36.1.
Variant type: single nucleotide variant.
Coding change: c.2097G>T on transcript NM_000238.4 (MANE Select); coding-DNA position 2097, G replaced by T.
Protein change: p.Glu699Asp; replaces glutamic acid 699 with aspartic acid.
Molecular consequence: missense variant.
Genome position (GRCh38, 1-based): chr7:150,950,969, C>A on the plus strand (G>T on the coding strand, the complement: KCNH2 is on the minus strand). VCF-style: chr7-150950969-C-A. GRCh37 (hg19) VCF-style: chr7-150648057-C-A.
Other names: c.1077G>T, p.Glu359Asp (NM_001204798.2, NM_172057.3); c.1809G>T, p.Glu603Asp (NM_001406753.1, NM_001406756.1); c.1920G>T, p.Glu640Asp (NM_001406755.1); c.1797G>T, p.Glu599Asp (NM_001406757.1); c.2097G>T, p.Glu699Asp (NM_172056.3); short protein forms E359D, E699D, E599D, E603D, E640D.
Identifiers: ClinVar variation 1001725 (VCV001001725.9), dbSNP rs550680502, ClinGen allele CA369857444.